The following is an entry in ClinVar:

NM_144991.3(TSPEAR):c.1778C>T (p.Ser593Leu)

Gene: TSPEAR (thrombospondin type laminin G domain and EAR repeats; minus strand). Cytogenetic location: 21q22.3.
Variant type: single nucleotide variant.
Coding change: c.1778C>T on transcript NM_144991.3 (MANE Select); coding-DNA position 1778, C replaced by T.
Protein change: p.Ser593Leu; replaces serine 593 with leucine.
Molecular consequence: missense variant.
Genome position (GRCh38, 1-based): chr21:44,504,858, G>A on the plus strand (C>T on the coding strand, the complement: TSPEAR is on the minus strand). VCF-style: chr21-44504858-G-A. GRCh37 (hg19) VCF-style: chr21-45924741-G-A.
Other names: c.1574C>T, p.Ser525Leu (NM_001272037.2); short protein forms S525L, S593L.
Identifiers: ClinVar variation 1208565 (VCV001208565.11), dbSNP rs143840354, ClinGen allele CA10056331.

ClinVar aggregate classification (germline): Conflicting classifications of pathogenicity. Review status: criteria provided, conflicting classifications (1 of 4 stars). 6 submissions from 6 submitters: Uncertain significance (5); Likely benign (1). Last evaluated 2026-02-16.

Conditions:
TSPEAR-related disorder. Also called: TSPEAR-related condition.
Inborn genetic diseases. Identifiers: MedGen C0950123, MeSH D030342.

Allele frequency attached by ClinVar (database versions not stated): gnomAD exomes 0.00010; ExAC 0.00015; 1000 Genomes Project 0.00040; gnomAD 0.00054 and 0.00056; TOPMed 0.00059; 1000 Genomes Project 30x 0.00062; ESP Exome Variant Server 0.00069.
gnomAD v4.1: 159 of 1,613,688 alleles (0.0099%); highest among the groups gnomAD compares: African/African-American, 0.18%; no homozygotes.

Submissions (6):

Women's Health and Genetics/Laboratory Corporation of America, LabCorp
Classification: Uncertain significance. Last evaluated: 2026-02-16. Review status: criteria provided, single submitter. Criteria: LabCorp Variant Classification Summary - May 2015. Collection method: clinical testing. Allele origin: germline.
Comment: Variant summary: TSPEAR c.1778C>T (p.Ser593Leu) results in a non-conservative amino acid change in the encoded protein sequence. Algorithms developed to predict the effect of missense changes on protein structure and function all suggest that this variant is likely to be disruptive. The variant allele was found at a frequency of 0.0001 in 251414 control chromosomes. This frequency is not significantly higher than estimated for disease-causing variants in TSPEAR, allowing no conclusion about variant significance. To our knowledge, no occurrence of c.1778C>T in individuals affected with TSPEAR-related conditions and no experimental evidence demonstrating its impact on protein function have been reported. ClinVar contains an entry for this variant (Variation ID: 1208565). Based on the evidence outlined above, the variant was classified as uncertain significance.

Labcorp Genetics (formerly Invitae), Labcorp
Classification: Uncertain significance. Last evaluated: 2025-06-24. Review status: criteria provided, single submitter. Criteria: Invitae Variant Classification Sherloc (09022015). Collection method: clinical testing. Allele origin: germline.
Comment: This sequence change replaces serine, which is neutral and polar, with leucine, which is neutral and non-polar, at codon 593 of the TSPEAR protein (p.Ser593Leu). This variant is present in population databases (rs143840354, gnomAD 0.1%). This variant has not been reported in the literature in individuals affected with TSPEAR-related conditions. ClinVar contains an entry for this variant (Variation ID: 1208565). Invitae Evidence Modeling of protein sequence and biophysical properties (such as structural, functional, and spatial information, amino acid conservation, physicochemical variation, residue mobility, and thermodynamic stability) indicates that this missense variant is not expected to disrupt TSPEAR protein function with a negative predictive value of 80%. In summary, the available evidence is currently insufficient to determine the role of this variant in disease. Therefore, it has been classified as a Variant of Uncertain Significance.

PreventionGenetics, part of Exact Sciences
Classification: Uncertain significance for TSPEAR-related condition. Last evaluated: 2025-02-26. Review status: criteria provided, single submitter. Criteria: ACMG Guidelines, 2015. Collection method: clinical testing. Allele origin: germline.
Comment: The TSPEAR c.1778C>T variant is predicted to result in the amino acid substitution p.Ser593Leu. To our knowledge, this variant has not been reported in the literature. This variant is reported in 0.14% of alleles in individuals of African descent in gnomAD. Although we suspect that this variant may be benign, at this time, the clinical significance of this variant is uncertain due to the absence of conclusive functional and genetic evidence.

Blueprint Genetics
Classification: Uncertain significance. Last evaluated: 2024-11-26. Review status: criteria provided, single submitter. Criteria: ACMG Guidelines, 2015. Collection method: clinical testing. Allele origin: germline.

Ambry Genetics
Classification: Uncertain significance for Inborn genetic diseases. Last evaluated: 2023-11-22. Review status: criteria provided, single submitter. Criteria: Ambry Variant Classification Scheme 2023. Collection method: clinical testing. Allele origin: germline.

GeneDx
Classification: Likely benign. Last evaluated: 2020-09-21. Review status: criteria provided, single submitter. Criteria: GeneDx Variant Classification Process June 2021. Collection method: clinical testing. Allele origin: germline. Affected: yes.